The following is an entry in ClinVar:

ClinVar aggregate classification (germline): Uncertain significance (1 of 4 stars; one submission).

Submission:

GeneDx
Classification: Uncertain significance. Last evaluated: 2023-12-06. Review status: criteria provided, single submitter. Criteria: GeneDx Variant Classification Process June 2021. Collection method: clinical testing. Allele origin: germline. Affected: yes.
Comment: Not observed at significant frequency in large population cohorts (gnomAD); In silico analysis supports that this missense variant does not alter protein structure/function; Has not been previously published as pathogenic or benign to our knowledge

NM_138383.3(MTSS2):c.1307A>C (p.His436Pro)

Gene: MTSS2 (MTSS I-BAR domain containing 2; minus strand). Cytogenetic location: 16q22.1.
Variant type: single nucleotide variant.
Coding change: c.1307A>C on transcript NM_138383.3 (MANE Select); coding-DNA position 1307, A replaced by C.
Protein change: p.His436Pro; replaces histidine 436 with proline.
Molecular consequence: missense variant.
Genome position (GRCh38, 1-based): chr16:70,664,762, T>G on the plus strand (A>C on the coding strand, the complement: MTSS2 is on the minus strand). VCF-style: chr16-70664762-T-G. GRCh37 (hg19) VCF-style: chr16-70698665-T-G.
Other names: short protein forms H436P.
Identifiers: ClinVar variation 3252268 (VCV003252268.1), dbSNP rs746763726.
Genomic context (GRCh38, chr16:70,664,762, plus strand): 5'-CTCAGGCCCCGCGTCAGCACCATGGCCAGGTCACTGGCGGCGGGGGACACCTCCTCACCG[T>G]GCTGAGGGTGGGAAAGTGCAGGCTGAAGCCTTGCGCCCCCAATCCCCTCTGCCCAAATTC-3'
Protein context (NP_612392.1, residues 426-446): RMSPATIAAK[His436Pro]GEEVSPAASD